The following is an entry in ClinVar:

NM_001122630.2(CDKN1C):c.365C>T (p.Pro122Leu)

Gene: CDKN1C (cyclin dependent kinase inhibitor 1C; minus strand). Cytogenetic location: 11p15.4.
Variant type: single nucleotide variant.
Coding change: c.365C>T on transcript NM_001122630.2 (MANE Select); coding-DNA position 365, C replaced by T.
Protein change: p.Pro122Leu; replaces proline 122 with leucine.
Molecular consequence: missense variant. On other transcripts: intron variant (1).
Genome position (GRCh38, 1-based): chr11:2,885,092, G>A on the plus strand (C>T on the coding strand, the complement: CDKN1C is on the minus strand). VCF-style: chr11-2885092-G-A. GRCh37 (hg19) VCF-style: chr11-2906322-G-A.
Other names: c.398C>T, p.Pro133Leu (NM_001362474.2, NM_000076.2, LRG_533t1); c.255+110C>T (NM_001362475.2); c.365C>T, p.Pro122Leu (NM_001122631.2); short protein forms P133L, P122L.
Identifiers: ClinVar variation 656468 (VCV000656468.10), dbSNP rs1590150577, ClinGen allele CA379146778.
Genomic context (GRCh38, chr11:2,885,092, plus strand): 5'-ACCGGGACTGGGGGCGGGGTGGACGCCGGGGCCGGGACCGGGACACTAGGCAGCTGCTCC[G>A]GCGCCTCCTCGAGGCCGTCGAGGGACTCAGCGGCCGGCTCGAGGGGCGGGCTGACAGCCA-3'
Protein context (NP_001116102.1, residues 112-132): AESLDGLEEA[Pro122Leu]EQLPSVPVPA

ClinVar aggregate classification (germline): Uncertain significance. Review status: criteria provided, multiple submitters, no conflicts (2 of 4 stars). 3 submissions from 3 submitters: Uncertain significance (3). Last evaluated 2025-05-13.

Conditions:
Beckwith-Wiedemann syndrome (BWS). Also called: EMG SYNDROME; Exomphalos macroglossia gigantism syndrome. Identifiers: Orphanet 116, MedGen C0004903, MONDO:0007534, OMIM 130650.

Allele frequency attached by ClinVar (database versions not stated): TOPMed below 0.00001; gnomAD 0.00001 and 0.00002; gnomAD exomes below 0.00001.
gnomAD v4.1: 8 of 1,416,408 alleles (0.00056%); highest among the groups gnomAD compares: East Asian, 0.0056%; no homozygotes.

Submissions (3):

Labcorp Genetics (formerly Invitae), Labcorp
Classification: Uncertain significance for Beckwith-Wiedemann syndrome. Last evaluated: 2025-05-13. Review status: criteria provided, single submitter. Criteria: Invitae Variant Classification Sherloc (09022015). Collection method: clinical testing. Allele origin: germline.
Comment: This sequence change replaces proline, which is neutral and non-polar, with leucine, which is neutral and non-polar, at codon 133 of the CDKN1C protein (p.Pro133Leu). This variant is not present in population databases (gnomAD no frequency). This variant has not been reported in the literature in individuals affected with CDKN1C-related conditions. ClinVar contains an entry for this variant (Variation ID: 656468). Invitae Evidence Modeling of protein sequence and biophysical properties (such as structural, functional, and spatial information, amino acid conservation, physicochemical variation, residue mobility, and thermodynamic stability) indicates that this missense variant is not expected to disrupt CDKN1C protein function with a negative predictive value of 80%. In summary, the available evidence is currently insufficient to determine the role of this variant in disease. Therefore, it has been classified as a Variant of Uncertain Significance.

Blueprint Genetics
Classification: Uncertain significance. Last evaluated: 2024-09-24. Review status: criteria provided, single submitter. Criteria: ACMG Guidelines, 2015. Collection method: clinical testing. Allele origin: germline.

Baylor Genetics
Classification: Uncertain significance for Beckwith-Wiedemann syndrome. Last evaluated: 2023-10-25. Review status: criteria provided, single submitter. Criteria: ACMG Guidelines, 2015. Collection method: clinical testing. Allele origin: unknown.